The following is an entry in ClinVar:

NM_007294.4(BRCA1):c.4071del (p.Glu1358fs)

Genes: BRCA1 (BRCA1 DNA repair associated; minus strand), LOC126862571 (BRD4-independent group 4 enhancer GRCh37_chr17:41243136-41244335; plus strand). Cytogenetic location: 17q21.31.
Variant type: Deletion.
Coding change: c.4071del on transcript NM_007294.4 (MANE Select); coding-DNA position 4071, one base deleted (A; older notation c.4071delA).
Protein change: p.Glu1358fs; shifts the reading frame from glutamic acid 1358.
Molecular consequence: frameshift variant. On other transcripts: intron variant (135).
Genome position (GRCh38, 1-based): chr17:43,091,460, T deleted on the plus strand (A on the coding strand, the reverse complement: BRCA1 is on the minus strand); the first of 2 consecutive T bases (chr17:43,091,460-43,091,461); deleting either gives the same sequence. VCF-style (leftmost placement, unchanged base first): chr17-43091459-CT-C. GRCh37 (hg19) VCF-style: chr17-41243476-CT-C.
Other names: 4190delA; c.4071delA (NM_007294.3); c.3858del, p.Glu1287fs (NM_001407571.1, NM_001407853.1, NM_001407894.1 and 9 more transcripts); c.4071del, p.Glu1358fs (NM_001407581.1, NM_001407582.1, NM_001407583.1 and 30 more transcripts); c.4068del, p.Glu1357fs (NM_001407587.1, NM_001407590.1, NM_001407591.1 and 22 more transcripts); c.4062del, p.Glu1355fs (NM_001407646.1, NM_001407647.1); c.3948del, p.Glu1317fs (NM_001407648.1, NM_001407664.1, NM_001407665.1 and 19 more transcripts); c.3945del, p.Glu1316fs (NM_001407649.1, NM_001407670.1, NM_001407671.1 and 11 more transcripts); and 44 more; short protein forms E1311fs, E1358fs, E1062fs, E1247fs, E1310fs, E1230fs, E1270fs, E1316fs.
Identifiers: ClinVar variation 266439 (VCV000266439.10), dbSNP rs886040197, ClinGen allele CA10589694.

ClinVar aggregate classification (germline): Pathogenic. Review status: reviewed by expert panel (3 of 4 stars). 3 submissions from 3 submitters: Pathogenic (1). 2 of the submissions do not count toward it. Last evaluated 2016-10-18.

Conditions:
Hereditary cancer-predisposing syndrome. Also called: Hereditary Cancer Syndrome; Neoplastic Syndromes, Hereditary; Hereditary neoplastic syndrome; Tumor predisposition. Identifiers: Orphanet 140162, MedGen C0027672, MeSH D009386, MONDO:0015356.
Breast-ovarian cancer, familial, susceptibility to, 1 (BROVCA1). Also called: BRCA1 Hereditary Breast and Ovarian Cancer; OVARIAN CANCER, SUSCEPTIBILITY TO. Identifiers: Orphanet 145, MedGen C2676676, MONDO:0011450, OMIM 604370. Disease mechanism: loss of function.

Submissions (3):

Evidence-based Network for the Interpretation of Germline Mutant Alleles (ENIGMA)
Classification: Pathogenic for Breast-ovarian cancer, familial, susceptibility to, 1. Last evaluated: 2016-10-18. Review status: reviewed by expert panel. Criteria: ENIGMA BRCA1/2 Classification Criteria (2015). Collection method: curation. Allele origin: germline.
Comment: Variant allele predicted to encode a truncated non-functional protein.

Ambry Genetics
Classification: Pathogenic for Hereditary cancer-predisposing syndrome. Last evaluated: 2019-01-10. Review status: criteria provided, single submitter. Criteria: Ambry Variant Classification Scheme 2023. Collection method: clinical testing. Allele origin: germline. Not counted in ClinVar's aggregate classification.
Comment: The c.4071delA pathogenic mutation, located in coding exon 9 of the BRCA1 gene, results from a deletion of one nucleotide at nucleotide position 4071, causing a translational frameshift with a predicted alternate stop codon (p.E1358Sfs*8). This mutation has been reported in individuals with hereditary breast and/or ovarian cancer (Rebbeck TR et al. Hum. Mutat. 2018 May;39(5):593-620). This alteration is expected to result in loss of function by premature protein truncation or nonsense-mediated mRNA decay. As such, this alteration is interpreted as a disease-causing mutation.

Consortium of Investigators of Modifiers of BRCA1/2 (CIMBA), c/o University of Cambridge
Classification: Pathogenic for Breast-ovarian cancer, familial, susceptibility to, 1. Last evaluated: 2015-10-02. Review status: criteria provided, single submitter. Criteria: CIMBA Mutation Classification guidelines May 2016. Collection method: clinical testing. Allele origin: germline. Not counted in ClinVar's aggregate classification.